The following is an entry in ClinVar:

ClinVar aggregate classification (germline): Conflicting classifications of pathogenicity. Review status: criteria provided, conflicting classifications (1 of 4 stars). 3 submissions from 3 submitters: Uncertain significance (1); Likely benign (1). 1 of the submissions does not count toward it. Last evaluated 2025-10-01.

Conditions:
Inborn genetic diseases. Identifiers: MedGen C0950123, MeSH D030342.

Allele frequency attached by ClinVar (database versions not stated): gnomAD exomes 0.00003 and 0.00008; gnomAD 0.00005 and 0.00006; TOPMed 0.00006; ExAC 0.00010.
gnomAD v4.1: 55 of 1,593,794 alleles (0.0035%); highest among the groups gnomAD compares: Admixed American, 0.024%; 2 homozygotes.

Submissions (3):

CeGaT Center for Human Genetics Tuebingen
Classification: Likely benign. Last evaluated: 2025-10-01. Review status: criteria provided, single submitter. Criteria: CeGaT Center For Human Genetics Tuebingen Variant Classification Criteria Version 2. Collection method: clinical testing. Allele origin: germline. Affected: yes. Observed: 1 variant allele.
Comment: PKD1: BS1

Ambry Genetics
Classification: Uncertain significance for Inborn genetic diseases. Last evaluated: 2025-05-14. Review status: criteria provided, single submitter. Criteria: Ambry Variant Classification Scheme 2023. Collection method: clinical testing. Allele origin: germline.

Department of Pathology and Laboratory Medicine, Sinai Health System
Classification: Likely benign. Review status: no assertion criteria provided. Collection method: clinical testing. Allele origin: unknown. Affected: yes. Study: The Canadian Open Genetics Repository (COGR). Not counted in ClinVar's aggregate classification.
Comment: The PKD1 p.Ser3993Leu variant was not identified in the literature nor was it identified in ClinVar or LOVD 3.0. The variant was identified in dbSNP (ID: rs775512866) and in control databases in 18 of 238430 chromosomes (2 homozygous) at a frequency of 0.00007549 (Genome Aggregation Database March 6, 2019, v2.1.1). The variant was observed in the following populations: South Asian in 8 of 29038 chromosomes (freq: 0.000276), Latino in 7 of 33260 chromosomes (freq: 0.000211) and European (non-Finnish) in 3 of 106508 chromosomes (freq: 0.000028), but was not observed in the African, Ashkenazi Jewish, East Asian, European (Finnish), or Other populations. The p.Ser3993 residue is conserved in mammals and computational analyses (PolyPhen-2, SIFT, AlignGVGD, BLOSUM, MutationTaster) provide inconsistent predictions regarding the impact to the protein; this information is not very predictive of pathogenicity. The variant occurs outside of the splicing consensus sequence and in silico or computational prediction software programs (SpliceSiteFinder, MaxEntScan, NNSPLICE, GeneSplicer) do not predict a difference in splicing. In summary, based on the above information the clinical significance of this variant cannot be determined with certainty at this time although we would lean towards a more benign role for this variant. This variant is classified as likely benign.

NM_001009944.3(PKD1):c.11978C>T (p.Ser3993Leu)

Gene: PKD1 (polycystin 1, transient receptor potential channel interacting; minus strand). Cytogenetic location: 16p13.3.
Variant type: single nucleotide variant.
Coding change: c.11978C>T on transcript NM_001009944.3 (MANE Select); coding-DNA position 11978, C replaced by T.
Protein change: p.Ser3993Leu; replaces serine 3993 with leucine.
Molecular consequence: missense variant.
Genome position (GRCh38, 1-based): chr16:2,090,909, G>A on the plus strand (C>T on the coding strand, the complement: PKD1 is on the minus strand). VCF-style: chr16-2090909-G-A. GRCh37 (hg19) VCF-style: chr16-2140910-G-A.
Other names: c.11975C>T, p.Ser3992Leu (NM_000296.4); c.11975C>T (NM_000296.3); short protein forms S3992L, S3993L.
Identifiers: ClinVar variation 1049594 (VCV001049594.11), dbSNP rs775512866, ClinGen allele CA7828916.